The following is an entry in ClinVar:

ClinVar aggregate classification (germline): Pathogenic. Review status: criteria provided, multiple submitters, no conflicts (2 of 4 stars). 2 submissions from 2 submitters: Pathogenic (2). Last evaluated 2019-07-16.

Conditions:
Cardiovascular phenotype. Identifiers: MedGen CN230736.

Submissions (2):

GeneDx
Classification: Pathogenic. Last evaluated: 2019-07-16. Review status: criteria provided, single submitter. Criteria: GeneDx Variant Classification Process June 2021. Collection method: clinical testing. Allele origin: germline. Affected: yes.
Comment: Has not been previously published as pathogenic or benign to our knowledge; Reported in ClinVar as pathogenic but additional evidence is not available (ClinVar Variant ID# 520308; Landrum et al., 2016); Not observed in large population cohorts (Lek et al., 2016); Frameshift variant predicted to result in protein truncation or nonsense mediated decay in a gene for which loss-of-function is a known mechanism of disease

Ambry Genetics
Classification: Pathogenic for Cardiovascular phenotype. Last evaluated: 2016-12-30. Review status: criteria provided, single submitter. Criteria: Ambry Variant Classification Scheme 2023. Collection method: clinical testing. Allele origin: germline.
Comment: The c.1103_1107dupAGCTG pathogenic mutation, located in coding exon 13 of the MYBPC3 gene, results from a duplication of AGCTG at nucleotide position 1103, causing a translational frameshift with a predicted alternate stop codon (p.E370Sfs*8). This alteration is expected to result in loss of function by premature protein truncation or nonsense-mediated mRNA decay. As such, this alteration is interpreted as a disease-causing mutation.

NM_000256.3(MYBPC3):c.1103_1107dup (p.Glu370fs)

Gene: MYBPC3 (myosin binding protein C3; minus strand). Cytogenetic location: 11p11.2.
Variant type: Duplication.
Coding change: c.1103_1107dup on transcript NM_000256.3 (MANE Select); coding-DNA positions 1103 to 1107, 5 bases duplicated (AGCTG; older notation c.1103_1107dupAGCTG).
Protein change: p.Glu370fs; shifts the reading frame from glutamic acid 370.
Molecular consequence: frameshift variant.
Genome position (GRCh38, 1-based): chr11:47,343,608-47,343,612, CAGCT duplicated on the plus strand (AGCTG on the coding strand, the reverse complement: MYBPC3 is on the minus strand). VCF-style (leftmost placement, unchanged base first): chr11-47343607-C-CCAGCT. GRCh37 (hg19) VCF-style: chr11-47365158-C-CCAGCT.
Other names: c.1103_1107dup, p.Glu370fs (LRG_386t1); c.1103_1107dupAGCTG (NM_000256.3); short protein forms E370fs.
Identifiers: ClinVar variation 520308 (VCV000520308.8), dbSNP rs1555122462, ClinGen allele CA658797638.